The following is an entry in ClinVar:

NM_015100.4(POGZ):c.2426C>T (p.Ser809Phe)

Gene: POGZ (pogo transposable element derived with ZNF domain; minus strand). Cytogenetic location: 1q21.3.
Variant type: single nucleotide variant.
Coding change: c.2426C>T on transcript NM_015100.4 (MANE Select); coding-DNA position 2426, C replaced by T.
Protein change: p.Ser809Phe; replaces serine 809 with phenylalanine.
Molecular consequence: missense variant.
Genome position (GRCh38, 1-based): chr1:151,407,241, G>A on the plus strand (C>T on the coding strand, the complement: POGZ is on the minus strand). VCF-style: chr1-151407241-G-A. GRCh37 (hg19) VCF-style: chr1-151379717-G-A.
Other names: c.2399C>T, p.Ser800Phe (NM_001194937.2); c.2240C>T, p.Ser747Phe (NM_001194938.2); c.2447C>T, p.Ser816Phe (NM_001410860.1); c.2141C>T, p.Ser714Phe (NM_145796.4); c.2267C>T, p.Ser756Phe (NM_207171.2); short protein forms S714F, S747F, S756F, S800F, S809F, S816F.
Identifiers: ClinVar variation 3364791 (VCV003364791.1).

ClinVar aggregate classification (germline): Uncertain significance (1 of 4 stars; one submission).

Submission:

GeneDx
Classification: Uncertain significance. Last evaluated: 2023-11-26. Review status: criteria provided, single submitter. Criteria: GeneDx Variant Classification Process June 2021. Collection method: clinical testing. Allele origin: germline. Affected: yes.
Comment: Has not been previously published as pathogenic or benign to our knowledge; Not observed at significant frequency in large population cohorts (gnomAD); In silico analysis supports that this missense variant has a deleterious effect on protein structure/function